The following is an entry in ClinVar:

NM_006019.4(TCIRG1):c.1555-2A>C

Gene: TCIRG1 (T cell immune regulator 1, ATPase H+ transporting V0 subunit a3; plus strand). Cytogenetic location: 11q13.2.
Variant type: single nucleotide variant.
Coding change: c.1555-2A>C on transcript NM_006019.4 (MANE Select); the canonical splice acceptor site of the intron before coding-DNA position 1555, A replaced by C.
Molecular consequence: splice acceptor variant.
Genome position (GRCh38, 1-based): chr11:68,048,877, A>C. VCF-style: chr11-68048877-A-C. GRCh37 (hg19) VCF-style: chr11-67816344-A-C.
Other names: c.661-2A>C (NM_001351059.2); c.907-2A>C (NM_006053.4).
Identifiers: ClinVar variation 551487 (VCV000551487.21), dbSNP rs758977199, ClinGen allele CA6147190.
Genomic context (GRCh38, chr11:68,048,877, plus strand): 5'-GACTTCCTGGCAGTGATGGCGAGGGAGCCCCTGAGTCCAGCCCACCCCTGCTGCCACCCT[A>C]GATTTGGAGCCTGGCTGCCAACCACTTGAGCTTCCTCAACTCCTTCAAGATGAAGATGTC-3'

ClinVar aggregate classification (germline): Pathogenic/Likely pathogenic. Review status: criteria provided, multiple submitters, no conflicts (2 of 4 stars). 8 submissions from 8 submitters: Pathogenic (5); Likely pathogenic (2). 1 of the submissions does not count toward it. Last evaluated 2026-08-31.

Conditions:
Autosomal recessive osteopetrosis 1. Also called: TCIRG1-Related Osteopetrosis; ALBERS-SCHONBERG DISEASE, AUTOSOMAL RECESSIVE; TCIRG1-Related Autosomal Recessive Osteopetrosis. Identifiers: Orphanet 667, MedGen C1850127, MONDO:0009815, OMIM 259700.

Allele frequency attached by ClinVar (database versions not stated): gnomAD exomes below 0.00001 and 0.00002; ExAC 0.00003.

Submissions (8):

Myriad Genetics, Inc.
Classification: Likely pathogenic for Autosomal recessive osteopetrosis 1. Last evaluated: 2026-08-31. Review status: criteria provided, single submitter. Criteria: Myriad Autosomal Dominant, Autosomal Recessive and X-Linked Classification Criteria (2023). Collection method: clinical testing. Allele origin: unknown.
Comment: NM_006019.3(TCIRG1):c.1555-2A>C is a variant in a canonical splice site classified as likely pathogenic in the context of autosomal recessive osteopetrosis type 1. c.1555-2A>C has been observed in a case with relevant disease (PMID: 30539151). Relevant functional assessments of this variant are not available in the literature. c.1555-2A>C has been observed in referenced population frequency databases. In summary, NM_006019.3(TCIRG1):c.1555-2A>C is a variant in a canonical splice site in a gene where loss of function is a known mechanism of disease, is predicted to disrupt protein function, and has been observed more frequently in cases with the relevant disease than in healthy populations. Please note: this variant was assessed in the context of healthy population screening.

Natera, Inc.
Classification: Pathogenic for Infantile malignant osteopetrosis. Last evaluated: 2025-10-29. Review status: criteria provided, single submitter. Criteria: Natera Variant Classification Schema (03/2026). Collection method: clinical testing. Allele origin: germline.
Comment: The c.1555-2A>C variant in TCIRG1 is a canonical splice acceptor site variant predicted to affect pre-mRNA splicing, which may result in an abnormal transcript and altered protein product. This variant is expected to result in nonsense mediated decay, truncation, or a dysfunctional protein product. This variant is rare in the general population with a frequency below the threshold expected for the associated phenotype(s). This variant has been observed in one or more individuals affected with the associated recessive disease, as either homozygous or compound heterozygous with a second variant (PMID: 30539151). Given the available evidence, this variant is classified as Pathogenic.

Fulgent Genetics
Classification: Pathogenic for Autosomal recessive osteopetrosis 1. Last evaluated: 2024-06-13. Review status: criteria provided, single submitter. Criteria: ACMG Guidelines, 2015. Collection method: clinical testing. Allele origin: germline.

Baylor Genetics
Classification: Pathogenic for Autosomal recessive osteopetrosis 1. Last evaluated: 2024-03-30. Review status: criteria provided, single submitter. Criteria: ACMG Guidelines, 2015. Collection method: clinical testing. Allele origin: unknown.

Labcorp Genetics (formerly Invitae), Labcorp
Classification: Pathogenic. Last evaluated: 2023-02-28. Review status: criteria provided, single submitter. Criteria: Invitae Variant Classification Sherloc (09022015). Collection method: clinical testing. Allele origin: germline.
Comment: Algorithms developed to predict the effect of sequence changes on RNA splicing suggest that this variant may disrupt the consensus splice site. For these reasons, this variant has been classified as Pathogenic. ClinVar contains an entry for this variant (Variation ID: 551487). This variant is also known as IVS13,-2A>C. Disruption of this splice site has been observed in individual(s) with osteopetrosis (PMID: 30539151, 31949009). In at least one individual the data is consistent with being in trans (on the opposite chromosome) from a pathogenic variant. This variant is present in population databases (rs758977199, gnomAD 0.03%). This sequence change affects an acceptor splice site in intron 13 of the TCIRG1 gene. It is expected to disrupt RNA splicing. Variants that disrupt the donor or acceptor splice site typically lead to a loss of protein function (PMID: 16199547), and loss-of-function variants in TCIRG1 are known to be pathogenic (PMID: 10888887, 10942435, 11532986, 19448635).

Revvity Omics, Revvity
Classification: Likely pathogenic for Autosomal recessive osteopetrosis 1. Last evaluated: 2021-11-08. Review status: criteria provided, single submitter. Criteria: ACMG Guidelines, 2015. Collection method: clinical testing. Allele origin: germline.

Juno Genomics, Hangzhou Juno Genomics, Inc
Classification: Pathogenic for Autosomal recessive osteopetrosis 1. Review status: criteria provided, single submitter. Criteria: ACMG Guidelines, 2015. Collection method: clinical testing. Allele origin: germline. Affected: yes.
Comment: Absent from controls (or at extremely low frequency if recessive) in Genome Aggregation Database, Exome Sequencing Project, 1000 Genomes Project, or Exome Aggregation Consortium.;Null variant in a gene where loss of function (LOF) is a known mechanism of disease.;For recessive disorders, detected in trans with a pathogenic variant.

Counsyl
Classification: Likely pathogenic for Autosomal recessive osteopetrosis 1. Last evaluated: 2017-04-12. Review status: no assertion criteria provided. Collection method: clinical testing. Allele origin: unknown. Not counted in ClinVar's aggregate classification.

Literature cited by the submitters: PubMed 30539151 (cited by 3 submitters); PubMed 31949009 (cited by Labcorp Genetics (formerly Invitae), Labcorp); PubMed 16199547 (cited by Labcorp Genetics (formerly Invitae), Labcorp); PubMed 10888887 (cited by Labcorp Genetics (formerly Invitae), Labcorp); PubMed 10942435 (cited by Labcorp Genetics (formerly Invitae), Labcorp); PubMed 11532986 (cited by Labcorp Genetics (formerly Invitae), Labcorp); PubMed 19448635 (cited by Labcorp Genetics (formerly Invitae), Labcorp).